The following is an entry in ClinVar:

NM_024685.4(BBS10):c.1447dup (p.Thr483fs)

Gene: BBS10 (Bardet-Biedl syndrome 10; minus strand). Cytogenetic location: 12q21.2.
Variant type: Duplication.
Coding change: c.1447dup on transcript NM_024685.4 (MANE Select); coding-DNA position 1447, one base duplicated (A; older notation c.1447dupA).
Protein change: p.Thr483fs; shifts the reading frame from threonine 483.
Molecular consequence: frameshift variant.
Genome position (GRCh38, 1-based): chr12:76,346,538, T duplicated on the plus strand (A on the coding strand, the reverse complement: BBS10 is on the minus strand); the first of 6 consecutive T bases (chr12:76,346,538-76,346,543); duplicating any one gives the same sequence. VCF-style (leftmost placement, unchanged base first): chr12-76346537-G-GT. GRCh37 (hg19) VCF-style: chr12-76740317-G-GT.
Other names: c.1447dupA (NM_024685.3); c.1447dup, p.Thr483fs (LRG_1255t1); short protein forms T483fs.
Identifiers: ClinVar variation 556979 (VCV000556979.12), dbSNP rs759185809, ClinGen allele CA6694169.

ClinVar aggregate classification (germline): Pathogenic/Likely pathogenic. Review status: criteria provided, multiple submitters, no conflicts (2 of 4 stars). 4 submissions from 4 submitters: Pathogenic (1); Likely pathogenic (1). 2 of the submissions do not count toward it. Last evaluated 2023-12-05.

Conditions:
BBS10-related disorder. Also called: BBS10-related condition.
Bardet-Biedl syndrome 10 (BBS10). Identifiers: Orphanet 110, MedGen C1859568, MONDO:0014438, OMIM 615987.
Bardet-Biedl syndrome (BBS). Identifiers: Orphanet 110, MedGen C0752166, MONDO:0015229.

Submissions (4):

Baylor Genetics
Classification: Likely pathogenic for Bardet-Biedl syndrome 10. Last evaluated: 2023-12-05. Review status: criteria provided, single submitter. Criteria: ACMG Guidelines, 2015. Collection method: clinical testing. Allele origin: unknown.

Labcorp Genetics (formerly Invitae), Labcorp
Classification: Pathogenic for Bardet-Biedl syndrome. Last evaluated: 2023-10-29. Review status: criteria provided, single submitter. Criteria: Invitae Variant Classification Sherloc (09022015). Collection method: clinical testing. Allele origin: germline.
Comment: This sequence change creates a premature translational stop signal (p.Thr483Asnfs*10) in the BBS10 gene. While this is not anticipated to result in nonsense mediated decay, it is expected to disrupt the last 241 amino acid(s) of the BBS10 protein. This variant is present in population databases (rs759185809, gnomAD 0.006%). This variant has not been reported in the literature in individuals affected with BBS10-related conditions. ClinVar contains an entry for this variant (Variation ID: 556979). This variant disrupts a region of the BBS10 protein in which other variant(s) (p.Val707*) have been determined to be pathogenic (PMID: 20472660, 22773737, 25982971, 27486776). This suggests that this is a clinically significant region of the protein, and that variants that disrupt it are likely to be disease-causing. For these reasons, this variant has been classified as Pathogenic.

PreventionGenetics, part of Exact Sciences
Classification: Pathogenic for BBS10-related condition. Last evaluated: 2024-08-27. Review status: no assertion criteria provided. Collection method: clinical testing. Allele origin: germline. Not counted in ClinVar's aggregate classification.
Comment: The BBS10 c.1447dupA variant is predicted to result in a frameshift and premature protein termination (p.Thr483Asnfs*10). This variant has been reported in an individual in a carrier study for autosomal recessive inherited retinal diseases (Table S3, Hanany et al 2020. PubMed ID: 31964843). This variant is reported in 0.0065% of alleles in individuals of South Asian descent in gnomAD. Frameshift variants in BBS10 are expected to be pathogenic. This variant is interpreted as pathogenic.

Counsyl
Classification: Likely pathogenic for Bardet-Biedl syndrome 10. Last evaluated: 2018-03-01. Review status: no assertion criteria provided. Collection method: clinical testing. Allele origin: unknown. Not counted in ClinVar's aggregate classification.

Literature cited by the submitters: PubMed 20472660 (cited by Labcorp Genetics (formerly Invitae), Labcorp); PubMed 22773737 (cited by Labcorp Genetics (formerly Invitae), Labcorp); PubMed 25982971 (cited by Labcorp Genetics (formerly Invitae), Labcorp); PubMed 27486776 (cited by Labcorp Genetics (formerly Invitae), Labcorp).